The following is an entry in ClinVar:

NM_006393.3(NEBL):c.2761+318C>T

Gene: NEBL (nebulette; minus strand). Cytogenetic location: 10p12.31.
Variant type: single nucleotide variant.
Coding change: c.2761+318C>T on transcript NM_006393.3 (MANE Select); 318 bases into the intron after coding-DNA position 2761, C replaced by T.
Molecular consequence: intron variant.
Genome position (GRCh38, 1-based): chr10:20,808,192, G>A on the plus strand (C>T on the coding strand, the complement: NEBL is on the minus strand). VCF-style: chr10-20808192-G-A. GRCh37 (hg19) VCF-style: chr10-21097121-G-A.
Other names: c.421+4577C>T (NM_001377326.1, NM_001377327.1, NM_001377328.1); c.529+4577C>T (NM_213569.2, NM_001173484.2); c.622+1614C>T (NM_001377322.1); c.472+4577C>T (NM_001377324.1); c.463+4577C>T (NM_001377325.1); c.481+4577C>T (NM_001377323.1).
Identifiers: ClinVar variation 683678 (VCV000683678.1), dbSNP rs76261504, ClinGen allele CA204162171.

ClinVar aggregate classification (germline): Benign (1 of 4 stars; one submission).

Allele frequency attached by ClinVar (database versions not stated): gnomAD 0.07638 and 0.07731; TOPMed 0.08451; 1000 Genomes Project 30x 0.12945; 1000 Genomes Project 0.13019.
gnomAD v4.1: 11,672 of 151,958 alleles (7.7%); highest among the groups gnomAD compares: African/African-American, 18%; 880 homozygotes.

Submission:

GeneDx
Classification: Benign. Last evaluated: 2018-06-18. Review status: criteria provided, single submitter. Criteria: GeneDx Variant Classification (06012015). Collection method: clinical testing. Allele origin: germline. Affected: yes.
Comment: This variant is considered likely benign or benign based on one or more of the following criteria: it is a conservative change, it occurs at a poorly conserved position in the protein, it is predicted to be benign by multiple in silico algorithms, and/or has population frequency not consistent with disease.